The following is an entry in ClinVar:

NM_000452.3(SLC10A2):c.911T>G (p.Phe304Cys)

Gene: SLC10A2 (solute carrier family 10 member 2; minus strand). Cytogenetic location: 13q33.1.
Variant type: single nucleotide variant.
Coding change: c.911T>G on transcript NM_000452.3 (MANE Select); coding-DNA position 911, T replaced by G.
Protein change: p.Phe304Cys; replaces phenylalanine 304 with cysteine.
Molecular consequence: missense variant.
Genome position (GRCh38, 1-based): chr13:103,049,297, A>C on the plus strand (T>G on the coding strand, the complement: SLC10A2 is on the minus strand). VCF-style: chr13-103049297-A-C. GRCh37 (hg19) VCF-style: chr13-103701647-A-C.
Other names: short protein forms F304C.
Identifiers: ClinVar variation 4760839 (VCV004760839.1).

ClinVar aggregate classification (germline): Uncertain significance (1 of 4 stars; one submission).

gnomAD v4.1: 6 of 1,613,674 alleles (0.00037%); highest among the groups gnomAD compares: African/African-American, 0.0013%; no homozygotes.

Submission:

Labcorp Genetics (formerly Invitae), Labcorp
Classification: Uncertain significance. Last evaluated: 2025-11-03. Review status: criteria provided, single submitter. Criteria: Invitae Variant Classification Sherloc (09022015). Collection method: clinical testing. Allele origin: germline.
Comment: This sequence change replaces phenylalanine, which is neutral and non-polar, with cysteine, which is neutral and slightly polar, at codon 304 of the SLC10A2 protein (p.Phe304Cys). This variant is present in population databases (rs766865610, gnomAD 0.01%). This variant has not been reported in the literature in individuals affected with SLC10A2-related conditions. Invitae Evidence Modeling of protein sequence and biophysical properties (such as structural, functional, and spatial information, amino acid conservation, physicochemical variation, residue mobility, and thermodynamic stability) indicates that this missense variant is not expected to disrupt SLC10A2 protein function with a negative predictive value of 80%. In summary, the available evidence is currently insufficient to determine the role of this variant in disease. Therefore, it has been classified as a Variant of Uncertain Significance.